The following is an entry in ClinVar:

ClinVar aggregate classification (germline): Uncertain significance (1 of 4 stars; one submission).

Allele frequency attached by ClinVar (database versions not stated): gnomAD exomes below 0.00001; TOPMed below 0.00001; gnomAD 0.00001.
gnomAD v4.1: 2 of 1,526,018 alleles (0.00013%); highest among the groups gnomAD compares: Non-Finnish European, 0.00018%; no homozygotes.

Submission:

Labcorp Genetics (formerly Invitae), Labcorp
Classification: Uncertain significance. Last evaluated: 2022-04-29. Review status: criteria provided, single submitter. Criteria: Invitae Variant Classification Sherloc (09022015). Collection method: clinical testing. Allele origin: germline.
Comment: In summary, the available evidence is currently insufficient to determine the role of this variant in disease. Therefore, it has been classified as a Variant of Uncertain Significance. Algorithms developed to predict the effect of sequence changes on RNA splicing suggest that this variant may create or strengthen a splice site. This variant has not been reported in the literature in individuals affected with TJP2-related conditions. This variant is not present in population databases (gnomAD no frequency). This sequence change falls in intron 7 of the TJP2 gene. It does not directly change the encoded amino acid sequence of the TJP2 protein.

NM_004817.4(TJP2):c.1211-16T>G

Gene: TJP2 (tight junction protein 2; plus strand). Cytogenetic location: 9q21.11.
Variant type: single nucleotide variant.
Coding change: c.1211-16T>G on transcript NM_004817.4 (MANE Select); 16 bases into the intron before coding-DNA position 1211, T replaced by G.
Molecular consequence: intron variant.
Genome position (GRCh38, 1-based): chr9:69,227,749, T>G. VCF-style: chr9-69227749-T-G. GRCh37 (hg19) VCF-style: chr9-71842665-T-G.
Other names: c.1142-16T>G (NM_001170414.2, NM_001369870.1, NM_001369871.1); c.1211-16T>G (NM_201629.3, NM_001369872.1, NM_001369873.1); c.1223-16T>G (NM_001170415.1, NM_001369875.1, NM_001369874.1); c.1304-16T>G (NM_001170416.2).
Identifiers: ClinVar variation 2106443 (VCV002106443.4), dbSNP rs904514972, ClinGen allele CA193359729.